The following is an entry in ClinVar:

ClinVar aggregate classification (germline): Uncertain significance (1 of 4 stars; one submission).

Conditions:
Catecholaminergic polymorphic ventricular tachycardia 1. Also called: VENTRICULAR TACHYCARDIA, STRESS-INDUCED POLYMORPHIC 1; RYR2-Related Catecholaminergic Polymorphic Ventricular Tachycardia; VENTRICULAR TACHYCARDIA, CATECHOLAMINERGIC POLYMORPHIC, 1, WITH OR WITHOUT ATRIAL DYSFUNCTION AND/OR DILATED CARDIOMYOPATHY. Identifiers: Orphanet 3286, MedGen C1631597, MONDO:0011484, OMIM 604772.

Submission:

Labcorp Genetics (formerly Invitae), Labcorp
Classification: Uncertain significance for Catecholaminergic polymorphic ventricular tachycardia 1. Last evaluated: 2025-07-18. Review status: criteria provided, single submitter. Criteria: Invitae Variant Classification Sherloc (09022015). Collection method: clinical testing. Allele origin: germline.
Comment: This sequence change replaces alanine, which is neutral and non-polar, with proline, which is neutral and non-polar, at codon 4916 of the RYR2 protein (p.Ala4916Pro). This variant is not present in population databases (gnomAD no frequency). This variant has not been reported in the literature in individuals affected with RYR2-related conditions. Invitae Evidence Modeling of protein sequence and biophysical properties (such as structural, functional, and spatial information, amino acid conservation, physicochemical variation, residue mobility, and thermodynamic stability) indicates that this missense variant is expected to disrupt RYR2 protein function with a positive predictive value of 95%. In summary, the available evidence is currently insufficient to determine the role of this variant in disease. Therefore, it has been classified as a Variant of Uncertain Significance.

NM_001035.3(RYR2):c.14746G>C (p.Ala4916Pro)

Gene: RYR2 (ryanodine receptor 2; plus strand). Cytogenetic location: 1q43.
Variant type: single nucleotide variant.
Coding change: c.14746G>C on transcript NM_001035.3 (MANE Select); coding-DNA position 14746, G replaced by C.
Protein change: p.Ala4916Pro; replaces alanine 4916 with proline.
Molecular consequence: missense variant.
Genome position (GRCh38, 1-based): chr1:237,830,620, G>C. VCF-style: chr1-237830620-G-C. GRCh37 (hg19) VCF-style: chr1-237993920-G-C.
Other names: short protein forms A4916P.
Identifiers: ClinVar variation 4800132 (VCV004800132.1).
Genomic context (GRCh38, chr1:237,830,620, plus strand): 5'-GATTACTTCGACACAGTGCCACATGGCTTTGAAACCCACACTTTACAGGAGCACAACTTG[G>C]CTAATTACTTGTGAGTGTGCCCGTTTCAGAATCTTCCACCTCTCCAGTAGACGCCACTGG-3'
Protein context (NP_001026.2, residues 4906-4926): ETHTLQEHNL[Ala4916Pro]NYLFFLMYLI